The following is an entry in ClinVar:

ClinVar aggregate classification (germline): Pathogenic/Likely pathogenic. Review status: criteria provided, multiple submitters, no conflicts (2 of 4 stars). 2 submissions from 2 submitters: Pathogenic (1); Likely pathogenic (1). Last evaluated 2024-08-01.

Conditions:
Ataxia-telangiectasia syndrome (AT). Also called: Ataxia-telangiectasia, complementation group D; AT, COMPLEMENTATION GROUP C; ATAXIA-TELANGIECTASIA, COMPLEMENTATION GROUP A; ATAXIA-TELANGIECTASIA, FRESNO VARIANT; Ataxia-telangiectasia, complementation group E; LOUIS-BAR SYNDROME. Identifiers: Orphanet 100, MedGen C0004135, MONDO:0008840, OMIM 208900.

Submissions (2):

CeGaT Center for Human Genetics Tuebingen
Classification: Pathogenic. Last evaluated: 2024-08-01. Review status: criteria provided, single submitter. Criteria: CeGaT Center For Human Genetics Tuebingen Variant Classification Criteria Version 2. Collection method: clinical testing. Allele origin: germline. Affected: yes. Observed: 1 variant allele.
Comment: ATM: PVS1, PM2

Labcorp Genetics (formerly Invitae), Labcorp
Classification: Likely pathogenic for Ataxia-telangiectasia syndrome. Last evaluated: 2022-10-19. Review status: criteria provided, single submitter. Criteria: Invitae Variant Classification Sherloc (09022015). Collection method: clinical testing. Allele origin: germline.
Comment: In summary, the currently available evidence indicates that the variant is pathogenic, but additional data are needed to prove that conclusively. Therefore, this variant has been classified as Likely Pathogenic. Algorithms developed to predict the effect of sequence changes on RNA splicing suggest that this variant may disrupt the consensus splice site. This variant has not been reported in the literature in individuals affected with ATM-related conditions. This variant is not present in population databases (gnomAD no frequency). This sequence change affects a donor splice site in intron 53 of the ATM gene. It is expected to disrupt RNA splicing. Variants that disrupt the donor or acceptor splice site typically lead to a loss of protein function (PMID: 16199547), and loss-of-function variants in ATM are known to be pathogenic (PMID: 23807571, 25614872).

Literature cited by the submitters: PubMed 16199547 (cited by Labcorp Genetics (formerly Invitae), Labcorp); PubMed 23807571 (cited by Labcorp Genetics (formerly Invitae), Labcorp); PubMed 25614872 (cited by Labcorp Genetics (formerly Invitae), Labcorp).

NM_000051.4(ATM):c.7927+2T>C

Genes: ATM (ATM serine/threonine kinase; plus strand), C11orf65 (chromosome 11 open reading frame 65; minus strand). Cytogenetic location: 11q22.3.
Variant type: single nucleotide variant.
Coding change: c.7927+2T>C on transcript NM_000051.4 (MANE Select); the canonical splice donor site of the intron after coding-DNA position 7927, T replaced by C.
Molecular consequence: splice donor variant. On other transcripts: intron variant (2).
Genome position (GRCh38, 1-based): chr11:108,332,902, T>C. VCF-style: chr11-108332902-T-C. GRCh37 (hg19) VCF-style: chr11-108203629-T-C.
Other names: c.7927+2T>C (NM_001351834.2); c.641-23831A>G (NM_001330368.2); c.*38+2318A>G (NM_001351110.2).
Identifiers: ClinVar variation 2033789 (VCV002033789.19), dbSNP rs2086432758, ClinGen allele CA382561535.